The following is an entry in ClinVar:

NM_001385875.1(ZFYVE27):c.1022G>A (p.Arg341His)

Gene: ZFYVE27 (zinc finger FYVE-type containing 27; plus strand). Cytogenetic location: 10q24.2.
Variant type: single nucleotide variant.
Coding change: c.1022G>A on transcript NM_001385875.1 (MANE Select); coding-DNA position 1022, G replaced by A.
Protein change: p.Arg341His; replaces arginine 341 with histidine.
Molecular consequence: missense variant. On other transcripts: non-coding transcript variant (17).
Genome position (GRCh38, 1-based): chr10:97,753,162, G>A. VCF-style: chr10-97753162-G-A. GRCh37 (hg19) VCF-style: chr10-99512919-G-A.
Other names: c.1037G>A, p.Arg346His (NM_001002261.4, NM_001385871.1); c.1001G>A, p.Arg334His (NM_001002262.4, NM_001385880.1, NM_001385881.1 and 2 more transcripts); c.905G>A, p.Arg302His (NM_001174119.2, NM_001385889.1); c.743G>A, p.Arg248His (NM_001174120.2); c.722G>A, p.Arg241His (NM_001174121.2, NM_001385915.1); c.647G>A, p.Arg216His (NM_001174122.2); c.1055G>A, p.Arg352His (NM_001385876.1); c.1019G>A, p.Arg340His (NM_001385877.1); and 14 more; short protein forms R123H, R271H, R302H, R334H, R241H, R253H, R260H, R266H.
Identifiers: ClinVar variation 1384345 (VCV001384345.8), dbSNP rs927949688, ClinGen allele CA212734233.
Genomic context (GRCh38, chr10:97,753,162, plus strand): 5'-TGAGCAAGAATGAGGTGCTGCGCAGCAAGGTGTCTCGGCTCACGGAGCGGCTCCGCAAGC[G>A]CTACCCCACCAACAACTTCGGTGCGGCCAGGGGACAGGGCTGGGCTGGTGGGGGAGTGGG-3'
Protein context (NP_001372804.1, residues 331-351): VSRLTERLRK[Arg341His]YPTNNFGNCT

ClinVar aggregate classification (germline): Uncertain significance (1 of 4 stars; one submission).

Conditions:
Spastic paraplegia. Identifiers: MedGen C0037772, HP:0001258.

Allele frequency attached by ClinVar (database versions not stated): gnomAD exomes below 0.00001; TOPMed below 0.00001; gnomAD 0.00001.
gnomAD v4.1: 7 of 1,611,398 alleles (0.00043%); highest among the groups gnomAD compares: Non-Finnish European, 0.00059%; no homozygotes.

Submission:

Labcorp Genetics (formerly Invitae), Labcorp
Classification: Uncertain significance for Spastic paraplegia. Last evaluated: 2023-05-24. Review status: criteria provided, single submitter. Criteria: Invitae Variant Classification Sherloc (09022015). Collection method: clinical testing. Allele origin: germline.
Comment: In summary, the available evidence is currently insufficient to determine the role of this variant in disease. Therefore, it has been classified as a Variant of Uncertain Significance. An algorithm developed to predict the effect of missense changes on protein structure and function (PolyPhen-2) suggests that this variant is likely to be disruptive. ClinVar contains an entry for this variant (Variation ID: 1384345). This variant has not been reported in the literature in individuals affected with ZFYVE27-related conditions. The frequency data for this variant in the population databases is considered unreliable, as metrics indicate poor data quality at this position in the gnomAD database. This sequence change replaces arginine, which is basic and polar, with histidine, which is basic and polar, at codon 346 of the ZFYVE27 protein (p.Arg346His).